The following is an entry in ClinVar:

ClinVar aggregate classification (germline): Uncertain significance (1 of 4 stars; one submission).

Allele frequency attached by ClinVar (database versions not stated): gnomAD exomes 0.00001; TOPMed 0.00001; gnomAD 0.00002; ExAC 0.00006.
gnomAD v4.1: 11 of 1,600,676 alleles (0.00069%); highest among the groups gnomAD compares: South Asian, 0.0045%; no homozygotes.

Submission:

GeneDx
Classification: Uncertain significance. Last evaluated: 2022-07-07. Review status: criteria provided, single submitter. Criteria: GeneDx Variant Classification Process June 2021. Collection method: clinical testing. Allele origin: germline. Affected: yes.
Comment: Not observed at significant frequency in large population cohorts (gnomAD); In silico analysis supports that this missense variant does not alter protein structure/function; Has not been previously published as pathogenic or benign to our knowledge

NM_001606.5(ABCA2):c.656G>A (p.Gly219Asp)

Gene: ABCA2 (ATP binding cassette subfamily A member 2; minus strand). Cytogenetic location: 9q34.3.
Variant type: single nucleotide variant.
Coding change: c.656G>A on transcript NM_001606.5 (MANE Select); coding-DNA position 656, G replaced by A.
Protein change: p.Gly219Asp; replaces glycine 219 with aspartic acid.
Molecular consequence: missense variant.
Genome position (GRCh38, 1-based): chr9:137,021,913, C>T on the plus strand (G>A on the coding strand, the complement: ABCA2 is on the minus strand). VCF-style: chr9-137021913-C-T. GRCh37 (hg19) VCF-style: chr9-139916365-C-T.
Other names: c.653G>A, p.Gly218Asp (NM_001411042.1); c.746G>A, p.Gly249Asp (NM_212533.3); short protein forms G218D, G219D, G249D.
Identifiers: ClinVar variation 2429511 (VCV002429511.1), dbSNP rs760593275, ClinGen allele CA5355708.